The following is an entry in ClinVar:

NM_000528.4(MAN2B1):c.1721dup (p.Phe575fs)

Gene: MAN2B1 (mannosidase alpha class 2B member 1; minus strand). Cytogenetic location: 19p13.13.
Variant type: Duplication.
Coding change: c.1721dup on transcript NM_000528.4 (MANE Select); coding-DNA position 1721, one base duplicated (G; older notation c.1721dupG).
Protein change: p.Phe575fs; shifts the reading frame from phenylalanine 575.
Molecular consequence: frameshift variant.
Genome position (GRCh38, 1-based): chr19:12,655,803, C duplicated on the plus strand (G on the coding strand, the reverse complement: MAN2B1 is on the minus strand); the first of 3 consecutive C bases (chr19:12,655,803-12,655,805); duplicating any one gives the same sequence. VCF-style (leftmost placement, unchanged base first): chr19-12655802-G-GC. GRCh37 (hg19) VCF-style: chr19-12766616-G-GC.
Other names: c.1718dup, p.Phe574fs (NM_001173498.2); c.1724dup, p.Phe576fs (NM_001440570.1); short protein forms F574fs, F575fs, F576fs.
Identifiers: ClinVar variation 5012147 (VCV005012147.1).

ClinVar aggregate classification (germline): Pathogenic (1 of 4 stars; one submission).

Conditions:
Deficiency of alpha-mannosidase (MANSA). Also called: LYSOSOMAL ALPHA-D-MANNOSIDASE DEFICIENCY; Alpha-Mannosidosis; Mannosidosis, alpha-, types I and II. Identifiers: Orphanet 61, MedGen C0024748, MONDO:0009561, OMIM 248500.

Submission:

Myriad Genetics, Inc.
Classification: Pathogenic for Deficiency of alpha-mannosidase. Last evaluated: 2023-09-27. Review status: criteria provided, single submitter. Criteria: Myriad Autosomal Dominant, Autosomal Recessive and X-Linked Classification Criteria (2023). Collection method: clinical testing. Allele origin: unknown.
Comment: NM_000528.3(MAN2B1):c.1721dupG(F575Lfs*36) is expected to be pathogenic in the context of alpha-mannosidosis. This variant is predicted to lead to an abnormal or absent protein product due to the creation of a premature termination codon in MAN2B1, a gene where loss-of-function variants are known to be pathogenic. Please note: this variant was assessed in the context of healthy population screening.